The following is an entry in ClinVar:

ClinVar aggregate classification (germline): Uncertain significance. Review status: criteria provided, multiple submitters, no conflicts (2 of 4 stars). 2 submissions from 2 submitters: Uncertain significance (2). Last evaluated 2024-05-07.

Conditions:
Intellectual developmental disorder with microcephaly and with or without ocular malformations or hypogonadotropic hypogonadism. Also called: Intellectual disability, autosomal dominant 27; Coffin-Siris Syndrome 9. Identifiers: Orphanet 1465, MedGen C4014528, MONDO:0014376, OMIM 615866.

Allele frequency attached by ClinVar (database versions not stated): gnomAD 0.00001; TOPMed 0.00001.
gnomAD v4.1: 4 of 1,522,632 alleles (0.00026%); highest among the groups gnomAD compares: Admixed American, 0.0043%; no homozygotes.

Submissions (2):

Fulgent Genetics
Classification: Uncertain significance for Intellectual developmental disorder with microcephaly and with or without ocular malformations or hypogonadotropic hypogonadism. Last evaluated: 2024-05-07. Review status: criteria provided, single submitter. Criteria: ACMG Guidelines, 2015. Collection method: clinical testing. Allele origin: germline.

Labcorp Genetics (formerly Invitae), Labcorp
Classification: Uncertain significance. Last evaluated: 2023-08-16. Review status: criteria provided, single submitter. Criteria: Invitae Variant Classification Sherloc (09022015). Collection method: clinical testing. Allele origin: germline.
Comment: Advanced modeling of protein sequence and biophysical properties (such as structural, functional, and spatial information, amino acid conservation, physicochemical variation, residue mobility, and thermodynamic stability) performed at Invitae indicates that this missense variant is not expected to disrupt SOX11 protein function. In summary, the available evidence is currently insufficient to determine the role of this variant in disease. Therefore, it has been classified as a Variant of Uncertain Significance. This variant has not been reported in the literature in individuals affected with SOX11-related conditions. This variant is not present in population databases (gnomAD no frequency). This sequence change replaces threonine, which is neutral and polar, with isoleucine, which is neutral and non-polar, at codon 159 of the SOX11 protein (p.Thr159Ile).

NM_003108.4(SOX11):c.476C>T (p.Thr159Ile)

Gene: SOX11 (SRY-box transcription factor 11; plus strand). Cytogenetic location: 2p25.2.
Variant type: single nucleotide variant.
Coding change: c.476C>T on transcript NM_003108.4 (MANE Select); coding-DNA position 476, C replaced by T.
Protein change: p.Thr159Ile; replaces threonine 159 with isoleucine.
Molecular consequence: missense variant.
Genome position (GRCh38, 1-based): chr2:5,693,197, C>T. VCF-style: chr2-5693197-C-T. GRCh37 (hg19) VCF-style: chr2-5833329-C-T.
Other names: short protein forms T159I.
Identifiers: ClinVar variation 2988805 (VCV002988805.4), dbSNP rs1665666082, ClinGen allele CA345866791.